The following is an entry in ClinVar:

ClinVar aggregate classification (germline): Uncertain significance (1 of 4 stars; one submission).

Conditions:
Distal myopathy with posterior leg and anterior hand involvement. Also called: WILLIAMS DISTAL MYOPATHY. Identifiers: Orphanet 63273, MedGen C3279722, MONDO:0013550, OMIM 614065.
Myofibrillar myopathy 5. Also called: Filaminopathy (type); FILAMINOPATHY, AUTOSOMAL DOMINANT. Identifiers: Orphanet 171445, MedGen C1836050, MONDO:0012289, OMIM 609524.
Hypertrophic cardiomyopathy 26. Also called: Cardiomyopathy, familial hypertrophic, 26. Identifiers: Orphanet 75249, MedGen C4310749, MONDO:0014883, OMIM 617047.

Allele frequency attached by ClinVar (database versions not stated): gnomAD exomes below 0.00001; TOPMed below 0.00001; ExAC 0.00001.
gnomAD v4.1: 2 of 1,614,092 alleles (0.00012%); highest among the groups gnomAD compares: African/African-American, 0.0013%; no homozygotes.

Submission:

Labcorp Genetics (formerly Invitae), Labcorp
Classification: Uncertain significance for Distal myopathy with posterior leg and anterior hand involvement; Myofibrillar myopathy 5; Hypertrophic cardiomyopathy 26. Last evaluated: 2025-01-15. Review status: criteria provided, single submitter. Criteria: Invitae Variant Classification Sherloc (09022015). Collection method: clinical testing. Allele origin: germline.
Comment: This sequence change falls in intron 34 of the FLNC gene. It does not directly change the encoded amino acid sequence of the FLNC protein. It affects a nucleotide within the consensus splice site. This variant is present in population databases (rs773119692, gnomAD 0.007%). This variant has not been reported in the literature in individuals affected with FLNC-related conditions. ClinVar contains an entry for this variant (Variation ID: 539341). Variants that disrupt the consensus splice site are a relatively common cause of aberrant splicing (PMID: 17576681, 9536098). Algorithms developed to predict the effect of sequence changes on RNA splicing suggest that this variant is not likely to affect RNA splicing. In summary, the available evidence is currently insufficient to determine the role of this variant in disease. Therefore, it has been classified as a Variant of Uncertain Significance.

Literature cited by the submitters: PubMed 17576681; PubMed 9536098.

NM_001458.5(FLNC):c.5668+6G>A

Genes: FLNC-AS1 (FLNC antisense RNA 1; minus strand), FLNC (filamin C; plus strand). Cytogenetic location: 7q32.1.
Variant type: single nucleotide variant.
Coding change: c.5668+6G>A on transcript NM_001458.5 (MANE Select); 6 bases into the intron after coding-DNA position 5668, G replaced by A.
Molecular consequence: intron variant.
Genome position (GRCh38, 1-based): chr7:128,851,366, G>A. VCF-style: chr7-128851366-G-A. GRCh37 (hg19) VCF-style: chr7-128491420-G-A.
Other names: c.5569+6G>A (NM_001127487.2).
Identifiers: ClinVar variation 539341 (VCV000539341.9), dbSNP rs773119692, ClinGen allele CA4475744.